The following is an entry in ClinVar:

NM_152703.5(SAMD9L):c.2368_2378del (p.Lys790fs)

Gene: SAMD9L (sterile alpha motif domain containing 9 like; minus strand). Cytogenetic location: 7q21.2.
Variant type: Deletion.
Coding change: c.2368_2378del on transcript NM_152703.5 (MANE Select); coding-DNA positions 2368 to 2378, 11 bases deleted (AAGAGCCATCA).
Protein change: p.Lys790fs; shifts the reading frame from lysine 790.
Molecular consequence: frameshift variant.
Genome position (GRCh38, 1-based): chr7:93,133,594-93,133,604, TGATGGCTCTT deleted on the plus strand (AAGAGCCATCA on the coding strand, the reverse complement: SAMD9L is on the minus strand); deleting any 11 consecutive bases within chr7:93,133,594-93,133,606 gives the same sequence; the c. name uses the placement nearest the transcript's 3' end. VCF-style (leftmost placement, unchanged base first): chr7-93133593-CTGATGGCTCTT-C. GRCh37 (hg19) VCF-style: chr7-92762906-CTGATGGCTCTT-C.
Other names: c.2368_2378del, p.Lys790fs (NM_001350082.2, NM_001350083.2, NM_001350084.2 and 5 more transcripts); short protein forms K790fs.
Identifiers: ClinVar variation 3703393 (VCV003703393.3).

ClinVar aggregate classification (germline): Uncertain significance. Review status: criteria provided, multiple submitters, no conflicts (2 of 4 stars). 2 submissions from 2 submitters: Uncertain significance (2). Last evaluated 2025-10-14.

Conditions:
Monosomy 7 myelodysplasia and leukemia syndrome 1. Also called: CHROMOSOME 7q DELETION; Familial Mosaic Monosomy 7 Syndrome; Monosomy 7 of bone marrow. Identifiers: MedGen C1854978, MONDO:0009646, OMIM 252270.

Submissions (2):

3billion
Classification: Uncertain significance for Monosomy 7 myelodysplasia and leukemia syndrome 1. Last evaluated: 2025-10-14. Review status: criteria provided, single submitter. Criteria: ACMG Guidelines, 2015. Collection method: clinical testing. Allele origin: germline. Affected: yes.
Comment: The variant is not observed in the gnomAD v4.1.0 dataset. Predicted Consequence/Location: Frameshift: predicted to result in a loss or disruption of normal protein function through protein truncation. The predicted truncated protein may be shortened by more than 10%. The variant has been reported as of uncertain significance (ClinVar ID: VCV003703393). Therefore, this variant is classified as VUS according to the recommendation of ACMG/AMP guideline.

Labcorp Genetics (formerly Invitae), Labcorp
Classification: Uncertain significance. Last evaluated: 2025-05-18. Review status: criteria provided, single submitter. Criteria: Invitae Variant Classification Sherloc (09022015). Collection method: clinical testing. Allele origin: germline.
Comment: This sequence change creates a premature translational stop signal (p.Lys790Glyfs*11) in the SAMD9L gene. While this is not anticipated to result in nonsense mediated decay, it is expected to disrupt the last 795 amino acid(s) of the SAMD9L protein. This variant is not present in population databases (gnomAD no frequency). This variant has not been reported in the literature in individuals affected with SAMD9L-related conditions. ClinVar contains an entry for this variant (Variation ID: 3703393). In summary, the available evidence is currently insufficient to determine the role of this variant in disease. Therefore, it has been classified as a Variant of Uncertain Significance.